The following is an entry in ClinVar:

ClinVar aggregate classification (germline): Likely pathogenic (1 of 4 stars; one submission).

Conditions:
Spinocerebellar ataxia type 19/22 (SCA19). Also called: SPINOCEREBELLAR ATAXIA 19; SPINOCEREBELLAR ATAXIA 22. Identifiers: Orphanet 98772, MedGen C1846367, MONDO:0011819, OMIM 607346.

Submission:

Women's Health and Genetics/Laboratory Corporation of America, LabCorp
Classification: Likely pathogenic for Spinocerebellar ataxia type 19/22. Last evaluated: 2023-09-14. Review status: criteria provided, single submitter. Criteria: LabCorp Variant Classification Summary - May 2015. Collection method: clinical testing. Allele origin: germline.
Comment: Variant summary: KCND3 c.848C>G (p.Ser283Cys) results in a non-conservative amino acid change located in the Ion transport domain (IPR005821) of the encoded protein sequence. Five of five in-silico tools predict a damaging effect of the variant on protein function. The variant was absent in 251278 control chromosomes (gnomAD). To our knowledge, no occurrence of c.848C>G in individuals affected with Spinocerebellar Ataxia Type 19/22 and no experimental evidence demonstrating its impact on protein function have been reported. No submitters have cited clinical-significance assessments for this variant to ClinVar after 2014. Based on the evidence outlined above, the variant was classified as likely pathogenic.

NM_001378969.1(KCND3):c.848C>G (p.Ser283Cys)

Gene: KCND3 (potassium voltage-gated channel subfamily D member 3; minus strand). Cytogenetic location: 1p13.2.
Variant type: single nucleotide variant.
Coding change: c.848C>G on transcript NM_001378969.1 (MANE Select); coding-DNA position 848, C replaced by G.
Protein change: p.Ser283Cys; replaces serine 283 with cysteine.
Molecular consequence: missense variant.
Genome position (GRCh38, 1-based): chr1:111,981,879, G>C on the plus strand (C>G on the coding strand, the complement: KCND3 is on the minus strand). VCF-style: chr1-111981879-G-C. GRCh37 (hg19) VCF-style: chr1-112524501-G-C.
Other names: c.848C>G, p.Ser283Cys (NM_001378970.1, NM_004980.5, NM_172198.3); short protein forms S283C.
Identifiers: ClinVar variation 2627229 (VCV002627229.1), dbSNP rs2525699283, ClinGen allele CA341821222.